The following is an entry in ClinVar:

NM_005188.4(CBL):c.1096-2A>T

Gene: CBL (Cbl proto-oncogene; plus strand). Cytogenetic location: 11q23.3.
Variant type: single nucleotide variant.
Coding change: c.1096-2A>T on transcript NM_005188.4 (MANE Select); the canonical splice acceptor site of the intron before coding-DNA position 1096, A replaced by T.
Molecular consequence: splice acceptor variant.
Genome position (GRCh38, 1-based): chr11:119,278,164, A>T. VCF-style: chr11-119278164-A-T. GRCh37 (hg19) VCF-style: chr11-119148874-A-T.
Identifiers: ClinVar variation 689750 (VCV000689750.5), dbSNP rs1592400784, ClinGen allele CA382912184.

ClinVar aggregate classification (germline): Pathogenic. Review status: criteria provided, multiple submitters, no conflicts (2 of 4 stars). 2 submissions from 2 submitters: Pathogenic (2). Last evaluated 2022-02-02.
ClinVar aggregate classification (oncogenicity): Uncertain significance (1 of 4 stars; one submission).

Conditions:
CBL-related disorder. Also called: NOONAN SYNDROME-LIKE DISORDER WITHOUT JUVENILE MYELOMONOCYTIC LEUKEMIA; CBL MUTATION-ASSOCIATED SYNDROME; CBL SYNDROME. Identifiers: Orphanet 363972, MedGen C3150803, MONDO:0013308, OMIM 613563.
Neoplasm. Also called: tumor; Neoplasms; Neoplasm (disease). Identifiers: MedGen C0027651, MeSH D009369, MONDO:0005070, HP:0002664.

Submissions (4):

Center for Genomic Medicine, Rigshospitalet, Copenhagen University Hospital
Classification: Uncertain significance for Neoplasm. Last evaluated: 2025-12-29. Review status: criteria provided, single submitter. Criteria: ClinGen/CGC/VICC Guidelines for Oncogenicity, 2022. Collection method: clinical testing. Allele origin: somatic. Affected: yes.

Victorian Clinical Genetics Services, Murdoch Childrens Research Institute
Classification: Pathogenic for CBL-related disorder. Last evaluated: 2022-02-02. Review status: criteria provided, single submitter. Criteria: ACMG Guidelines, 2015. Collection method: clinical testing. Allele origin: germline. Inheritance: Autosomal dominant inheritance. Affected: yes.
Comment: Based on the classification scheme VCGS_Germline_v1.3.4, this variant is classified as Pathogenic. Following criteria are met: 0104 - Dominant negative is a proposed mechanism of disease in this gene and is associated with Noonan syndrome-like disorder (MIM#613563; PMID: 20619386, 20694012). (I) 0107 - This gene is associated with autosomal dominant disease. (I) 0211 - Canonical splice site variant without proven consequence on splicing (no functional evidence available). (SP) 0251 - This variant is heterozygous. (I) 0301 - Variant is absent from gnomAD (both v2 and v3). (SP) 0309 - An alternative amino acid change at the same position has been observed in gnomAD (v3) (1 heterozygote, 0 homozygotes). (I) 0505 - Abnormal splicing is predicted by in silico tools and affected nucleotide is highly conserved. (SP) 0702 - Other canonical splice site variants comparable to the one identified in this case have strong previous evidence for pathogenicity. Variants affecting the same canonical splice site have been reported in multiple individuals with Noonan-like disorders, some of whom also had juvenile myelomonocytic leukemia (JMML; ClinVar, PMID: 25358541, 25952305, 31935506). (SP) 0802 - This variant has moderate previous evidence of pathogenicity in unrelated individuals. This variant is reported in the ClinVar database as pathogenic, and was reported in the Deciphering Developmental Disorders Study cohort as de novo (PMID: 25533962). (SP) 0905 - No published segregation evidence has been identified for this variant. (I) 1007 - No published functional evidence has been identified for this variant. (SP) Legend: (SP) - Supporting pathogenic, (I) - Information, (SB) - Supporting benign

Baylor Genetics
Classification: Pathogenic for CBL-related disorder. Last evaluated: 2012-05-21. Review status: criteria provided, single submitter. Criteria: ACMG Guidelines, 2015. Collection method: clinical testing. Allele origin: germline. Affected: yes.

Dr. Peter K. Rogan Lab, Western University
No classification provided (evidence only). Condition: Acute myeloid leukemia. Review status: no classification provided. Collection method: in vitro. Allele origin: not applicable. Functional consequence: skipped exon, retained intron. Not counted in ClinVar's aggregate classification.

Literature cited by the submitters: PubMed 20619386 (cited by Victorian Clinical Genetics Services, Murdoch Childrens Research Institute); PubMed 20694012 (cited by Victorian Clinical Genetics Services, Murdoch Childrens Research Institute); PubMed 25358541 (cited by Victorian Clinical Genetics Services, Murdoch Childrens Research Institute); PubMed 25533962 (cited by Victorian Clinical Genetics Services, Murdoch Childrens Research Institute); PubMed 25952305 (cited by Victorian Clinical Genetics Services, Murdoch Childrens Research Institute); PubMed 31935506 (cited by Victorian Clinical Genetics Services, Murdoch Childrens Research Institute).